The following is an entry in ClinVar:

ClinVar aggregate classification (germline): Likely benign. Review status: criteria provided, single submitter (1 of 4 stars). 2 submissions from 2 submitters: Likely benign (1). 1 of the submissions does not count toward it. Last evaluated 2025-12-10.

Conditions:
SLC9A3-related disorder. Also called: SLC9A3-related condition.

Allele frequency attached by ClinVar (database versions not stated): gnomAD exomes 0.00006; ExAC 0.00013; ESP Exome Variant Server 0.00031; gnomAD 0.00014 and 0.00016; TOPMed 0.00017.
gnomAD v4.1: 59 of 1,600,028 alleles (0.0037%); highest among the groups gnomAD compares: African/African-American, 0.051%; no homozygotes.

Submissions (2):

Labcorp Genetics (formerly Invitae), Labcorp
Classification: Likely benign. Last evaluated: 2025-12-10. Review status: criteria provided, single submitter. Criteria: Invitae Variant Classification Sherloc (09022015). Collection method: clinical testing. Allele origin: germline.

PreventionGenetics, part of Exact Sciences
Classification: Likely benign for SLC9A3-related condition. Last evaluated: 2024-02-14. Review status: no assertion criteria provided. Collection method: clinical testing. Allele origin: germline. Not counted in ClinVar's aggregate classification.
Comment: This variant is classified as likely benign based on ACMG/AMP sequence variant interpretation guidelines (Richards et al. 2015 PMID: 25741868, with internal and published modifications).

NM_004174.4(SLC9A3):c.288C>T (p.Gly96=)

Gene: SLC9A3 (solute carrier family 9 member A3). Cytogenetic location: 5p15.33.
Variant type: single nucleotide variant.
Coding change: c.288C>T on transcript NM_004174.4 (MANE Select); coding-DNA position 288, C replaced by T.
Protein change: p.Gly96=; no amino-acid change (glycine 96 retained).
Molecular consequence: synonymous variant.
Genome position (GRCh38, 1-based): chr5:491,995, G>A on the plus strand (C>T on the coding strand, the complement: SLC9A3 is on the minus strand). VCF-style: chr5-491995-G-A. GRCh37 (hg19) VCF-style: chr5-492110-G-A.
Other names: c.288C>T, p.Gly96= (NM_001284351.3); c.288C>T (NM_004174.3).
Identifiers: ClinVar variation 1150388 (VCV001150388.11), dbSNP rs142472481, ClinGen allele CA3176376.
Genomic context (GRCh38, chr5:491,995, plus strand): 5'-GAAGAAGACGGTGGGCGTCAGTGTGAAGGACGCGATGTGGTCGGCCGCCCAGACGATGCC[G>A]CCCAGCACCAGGCCCAGCACGATGAGCAGGGCGCTCTCGGGAACCACGCTGGTGACCTTG-3'
Protein context (NP_004165.2, residues 86-106): ALLIVLGLVL[Gly96=]GIVWAADHIA